The following is an entry in ClinVar:

NM_017890.5(VPS13B):c.4230A>G (p.Arg1410=)

Gene: VPS13B (vacuolar protein sorting 13 homolog B; plus strand). Cytogenetic location: 8q22.2.
Variant type: single nucleotide variant.
Coding change: c.4230A>G on transcript NM_017890.5 (MANE Plus Clinical); coding-DNA position 4230, A replaced by G.
Protein change: p.Arg1410=; no amino-acid change (arginine 1410 retained).
Molecular consequence: synonymous variant. On other transcripts: intron variant (1).
Genome position (GRCh38, 1-based): chr8:99,507,842, A>G. VCF-style: chr8-99507842-A-G. GRCh37 (hg19) VCF-style: chr8-100520070-A-G.
Other names: c.4224+639A>G (NM_152564.5).
Identifiers: ClinVar variation 3695192 (VCV003695192.3).

ClinVar aggregate classification (germline): Likely benign. Review status: criteria provided, multiple submitters, no conflicts (2 of 4 stars). 2 submissions from 2 submitters: Likely benign (2). Last evaluated 2025-10-16.

Conditions:
VPS13B-related disorder. Also called: VPS13B-related condition.
Cohen syndrome (COH1). Also called: Cutis verticis gyrata, retinitis pigmentosa, and sensorineural deafness; PEPPER SYNDROME. Identifiers: Orphanet 193, MedGen C0265223, MONDO:0008999, OMIM 216550.

gnomAD v4.1: 1 of 1,614,052 alleles (0.000062%); no homozygotes.

Submissions (2):

PreventionGenetics, part of Exact Sciences
Classification: Likely benign for VPS13B-related condition. Last evaluated: 2025-10-16. Review status: criteria provided, single submitter. Criteria: ACMG Guidelines, 2015. Collection method: clinical testing. Allele origin: germline.
Comment: This variant is classified as likely benign based on ACMG/AMP sequence variant interpretation guidelines (Richards et al. 2015 PMID: 25741868, with internal and published modifications).

Labcorp Genetics (formerly Invitae), Labcorp
Classification: Likely benign for Cohen syndrome. Last evaluated: 2024-10-21. Review status: criteria provided, single submitter. Criteria: Invitae Variant Classification Sherloc (09022015). Collection method: clinical testing. Allele origin: germline.